The following is an entry in ClinVar:

ClinVar aggregate classification (germline): Uncertain significance (1 of 4 stars; one submission).

gnomAD v4.1: 3 of 1,612,446 alleles (0.00019%); highest among the groups gnomAD compares: Admixed American, 0.005%; no homozygotes.

Submission:

Women's Health and Genetics/Laboratory Corporation of America, LabCorp
Classification: Uncertain significance. Last evaluated: 2025-01-20. Review status: criteria provided, single submitter. Criteria: LabCorp Variant Classification Summary - May 2015. Collection method: clinical testing. Allele origin: germline.
Comment: Variant summary: PLAU c.1121G>T (p.Gly374Val) results in a non-conservative amino acid change located in the trypsin domain (IPR001254) of the encoded protein sequence. Five of five in-silico tools predict a damaging effect of the variant on protein function. The variant allele was found at a frequency of 1.6e-05 in 247446 control chromosomes. The available data on variant occurrences in the general population are insufficient to allow any conclusion about variant significance. To our knowledge, no occurrence of c.1121G>T in individuals affected with Quebec Platelet Disorder and no experimental evidence demonstrating its impact on protein function have been reported. No submitters have cited clinical-significance assessments for this variant to ClinVar. Based on the evidence outlined above, the variant was classified as uncertain significance.

NM_002658.6(PLAU):c.1121G>T (p.Gly374Val)

Genes: PLAU (plasminogen activator, urokinase; plus strand), C10orf55 (chromosome 10 putative open reading frame 55; minus strand). Cytogenetic location: 10q22.2.
Variant type: single nucleotide variant.
Coding change: c.1121G>T on transcript NM_002658.6 (MANE Select); coding-DNA position 1121, G replaced by T.
Protein change: p.Gly374Val; replaces glycine 374 with valine.
Molecular consequence: missense variant.
Genome position (GRCh38, 1-based): chr10:73,916,390, G>T. VCF-style: chr10-73916390-G-T. GRCh37 (hg19) VCF-style: chr10-75676148-G-T.
Other names: c.1070G>T, p.Gly357Val (NM_001145031.3); c.863G>T, p.Gly288Val (NM_001319191.2); short protein forms G288V, G357V, G374V.
Identifiers: ClinVar variation 3769523 (VCV003769523.2).
Genomic context (GRCh38, chr10:73,916,390, plus strand): 5'-GATCAGAAATCCCCTCCTCACTTCTCTAGGGCTCATCTTTTGTATCTTTGGCGTCACAGG[G>T]AGACTCAGGGGGACCCCTCGTCTGTTCCCTCCAAGGCCGCATGACTTTGACTGGAATTGT-3'
Protein context (NP_002649.2, residues 364-384): DPQWKTDSCQ[Gly374Val]DSGGPLVCSL